The following is an entry in ClinVar:

NM_003172.4(SURF1):c.638G>C (p.Arg213Thr)

Gene: SURF1 (SURF1 cytochrome c oxidase assembly factor; minus strand). Cytogenetic location: 9q34.2.
Variant type: single nucleotide variant.
Coding change: c.638G>C on transcript NM_003172.4 (MANE Select); coding-DNA position 638, G replaced by C.
Protein change: p.Arg213Thr; replaces arginine 213 with threonine.
Molecular consequence: missense variant.
Genome position (GRCh38, 1-based): chr9:133,352,559, C>G on the plus strand (G>C on the coding strand, the complement: SURF1 is on the minus strand). VCF-style: chr9-133352559-C-G. GRCh37 (hg19) VCF-style: chr9-136219414-C-G.
Other names: c.638G>C (NM_003172.2); c.311G>C, p.Arg104Thr (NM_001280787.1); short protein forms R104T, R213T.
Identifiers: ClinVar variation 2077588 (VCV002077588.3), dbSNP rs1836454744, ClinGen allele CA375693841.

ClinVar aggregate classification (germline): Uncertain significance. Review status: criteria provided, multiple submitters, no conflicts (2 of 4 stars). 2 submissions from 2 submitters: Uncertain significance (2). Last evaluated 2025-02-01.

Conditions:
Inborn genetic diseases. Identifiers: MedGen C0950123, MeSH D030342.
Leigh syndrome (NULS). Also called: Subacute necrotizing encephalopathy; Necrotizing encephalopathy infantile subacute of Leigh; Leigh Syndrome (mtDNA deletion); LEIGH SYNDROME, NUCLEAR; Leigh's necrotizing encephalopathy; Leigh's disease. Identifiers: Orphanet 506, MedGen C2931891, MONDO:0009723, OMIM 256000.

Allele frequency attached by ClinVar (database versions not stated): gnomAD 0.00001; TOPMed 0.00002.

Submissions (2):

Ambry Genetics
Classification: Uncertain significance for Inborn genetic diseases. Last evaluated: 2025-02-01. Review status: criteria provided, single submitter. Criteria: Ambry Variant Classification Scheme 2023. Collection method: clinical testing. Allele origin: germline.

Labcorp Genetics (formerly Invitae), Labcorp
Classification: Uncertain significance for Leigh syndrome. Last evaluated: 2023-08-30. Review status: criteria provided, single submitter. Criteria: Invitae Variant Classification Sherloc (09022015). Collection method: clinical testing. Allele origin: germline.
Comment: In summary, the available evidence is currently insufficient to determine the role of this variant in disease. Therefore, it has been classified as a Variant of Uncertain Significance. Advanced modeling of protein sequence and biophysical properties (such as structural, functional, and spatial information, amino acid conservation, physicochemical variation, residue mobility, and thermodynamic stability) performed at Invitae indicates that this missense variant is expected to disrupt SURF1 protein function. ClinVar contains an entry for this variant (Variation ID: 2077588). This variant has not been reported in the literature in individuals affected with SURF1-related conditions. This variant is not present in population databases (gnomAD no frequency). This sequence change replaces arginine, which is basic and polar, with threonine, which is neutral and polar, at codon 213 of the SURF1 protein (p.Arg213Thr).